The following is an entry in ClinVar:

NM_201253.3(CRB1):c.2889C>A (p.Phe963Leu)

Gene: CRB1 (crumbs cell polarity complex component 1; plus strand). Cytogenetic location: 1q31.3.
Variant type: single nucleotide variant.
Coding change: c.2889C>A on transcript NM_201253.3 (MANE Select); coding-DNA position 2889, C replaced by A.
Protein change: p.Phe963Leu; replaces phenylalanine 963 with leucine.
Molecular consequence: missense variant. On other transcripts: non-coding transcript variant (2), intron variant (1).
Genome position (GRCh38, 1-based): chr1:197,434,752, C>A. VCF-style: chr1-197434752-C-A. GRCh37 (hg19) VCF-style: chr1-197403882-C-A.
Other names: c.2553C>A, p.Phe851Leu (NM_001193640.2); c.2817C>A, p.Phe939Leu (NM_001257965.2); c.2129-848C>A (NM_001257966.2); short protein forms F851L, F939L, F963L.
Identifiers: ClinVar variation 1038033 (VCV001038033.7), dbSNP rs905306614, ClinGen allele CA35906580.

ClinVar aggregate classification (germline): Uncertain significance. Review status: criteria provided, multiple submitters, no conflicts (2 of 4 stars). 3 submissions from 3 submitters: Uncertain significance (2). 1 of the submissions does not count toward it. Last evaluated 2025-09-08.

Conditions:
Leber congenital amaurosis 8 (LCA8). Identifiers: Orphanet 65, MedGen C3151202, MONDO:0013453, OMIM 613835.
Retinitis pigmentosa 12 (RP12). Also called: RP WITH OR WITHOUT PRESERVED PARAARTERIOLE RETINAL PIGMENT EPITHELIUM; RETINITIS PIGMENTOSA WITH OR WITHOUT PARAARTERIOLAR PRESERVATION OF RETINAL PIGMENT EPITHELIUM; RP WITH OR WITHOUT PPRPE. Identifiers: Orphanet 791, MedGen C1838647, MONDO:0010818, OMIM 600105.
Leber congenital amaurosis (LCA). Also called: Leber's amaurosis. Identifiers: Orphanet 65, MedGen C0339527, MeSH D057130, MONDO:0018998.

Allele frequency attached by ClinVar (database versions not stated): gnomAD 0.00001; TOPMed 0.00001.
gnomAD v4.1: 1 of 1,613,444 alleles (0.000062%); highest among the groups gnomAD compares: African/African-American, 0.0013%; no homozygotes.

Submissions (3):

Labcorp Genetics (formerly Invitae), Labcorp
Classification: Uncertain significance for Leber congenital amaurosis 8; Retinitis pigmentosa 12. Last evaluated: 2025-09-08. Review status: criteria provided, single submitter. Criteria: Invitae Variant Classification Sherloc (09022015). Collection method: clinical testing. Allele origin: germline.
Comment: This sequence change replaces phenylalanine, which is neutral and non-polar, with leucine, which is neutral and non-polar, at codon 963 of the CRB1 protein (p.Phe963Leu). This variant is not present in population databases (gnomAD no frequency). This missense change has been observed in individual(s) with clinical features of CRB1-related conditions (internal data). In at least one individual the data is consistent with being in trans (on the opposite chromosome) from a pathogenic variant. ClinVar contains an entry for this variant (Variation ID: 1038033). Invitae Evidence Modeling of protein sequence and biophysical properties (such as structural, functional, and spatial information, amino acid conservation, physicochemical variation, residue mobility, and thermodynamic stability) has been performed for this missense variant. However, the output from this modeling did not meet the statistical confidence thresholds required to predict the impact of this variant on CRB1 protein function. In summary, the available evidence is currently insufficient to determine the role of this variant in disease. Therefore, it has been classified as a Variant of Uncertain Significance.

Blueprint Genetics
Classification: Uncertain significance. Last evaluated: 2022-09-02. Review status: criteria provided, single submitter. Criteria: ACMG Guidelines, 2015. Collection method: clinical testing. Allele origin: germline.

Natera, Inc.
Classification: Uncertain significance for Leber congenital amaurosis. Last evaluated: 2021-10-14. Review status: no assertion criteria provided. Collection method: clinical testing. Allele origin: germline. Not counted in ClinVar's aggregate classification.